The following is an entry in ClinVar:

ClinVar aggregate classification (germline): Uncertain significance (1 of 4 stars; one submission).

Conditions:
CHD3-related disorder. Also called: CHD3-related condition.

Submission:

PreventionGenetics, part of Exact Sciences
Classification: Uncertain significance for CHD3-related condition. Last evaluated: 2025-03-06. Review status: criteria provided, single submitter. Criteria: ACMG Guidelines, 2015. Collection method: clinical testing. Allele origin: germline.
Comment: The CHD3 c.533A>T variant is predicted to result in the amino acid substitution p.Lys178Ile. To our knowledge, this variant has not been reported in the literature or in a large population database (gnomAD), indicating this variant is rare. At this time, the clinical significance of this variant is uncertain due to the absence of conclusive functional and genetic evidence.

NM_001005273.3(CHD3):c.356A>T (p.Lys119Ile)

Gene: CHD3 (chromodomain helicase DNA binding protein 3; plus strand). Cytogenetic location: 17p13.1.
Variant type: single nucleotide variant.
Coding change: c.356A>T on transcript NM_001005273.3 (MANE Select); coding-DNA position 356, A replaced by T.
Protein change: p.Lys119Ile; replaces lysine 119 with isoleucine.
Molecular consequence: missense variant.
Genome position (GRCh38, 1-based): chr17:7,890,713, A>T. VCF-style: chr17-7890713-A-T. GRCh37 (hg19) VCF-style: chr17-7794031-A-T.
Other names: c.533A>T, p.Lys178Ile (NM_001005271.3, NM_001437504.1, NM_001437507.1 and 2 more transcripts); c.356A>T, p.Lys119Ile (NM_005852.4); short protein forms K119I, K178I.
Identifiers: ClinVar variation 5001481 (VCV005001481.1).